The following is an entry in ClinVar:

NM_001160148.2(DDHD1):c.934C>G (p.His312Asp)

Gene: DDHD1 (DDHD domain containing 1; minus strand). Cytogenetic location: 14q22.1.
Variant type: single nucleotide variant.
Coding change: c.934C>G on transcript NM_001160148.2 (MANE Select); coding-DNA position 934, C replaced by G.
Protein change: p.His312Asp; replaces histidine 312 with aspartic acid.
Molecular consequence: missense variant.
Genome position (GRCh38, 1-based): chr14:53,103,761, G>C on the plus strand (C>G on the coding strand, the complement: DDHD1 is on the minus strand). VCF-style: chr14-53103761-G-C. GRCh37 (hg19) VCF-style: chr14-53570479-G-C.
Other names: c.934C>G, p.His312Asp (NM_001160147.2, NM_030637.3); short protein forms H312D.
Identifiers: ClinVar variation 3647553 (VCV003647553.2).

ClinVar aggregate classification (germline): Uncertain significance (1 of 4 stars; one submission).

Conditions:
Hereditary spastic paraplegia 28. Also called: Spastic paraplegia 28, autosomal recessive. Identifiers: Orphanet 101008, MedGen C1836295, MONDO:0012256, OMIM 609340.

Submission:

Labcorp Genetics (formerly Invitae), Labcorp
Classification: Uncertain significance for Hereditary spastic paraplegia 28. Last evaluated: 2024-05-08. Review status: criteria provided, single submitter. Criteria: Invitae Variant Classification Sherloc (09022015). Collection method: clinical testing. Allele origin: germline.
Comment: This sequence change replaces histidine, which is basic and polar, with aspartic acid, which is acidic and polar, at codon 312 of the DDHD1 protein (p.His312Asp). This variant is not present in population databases (gnomAD no frequency). This variant has not been reported in the literature in individuals affected with DDHD1-related conditions. Advanced modeling of protein sequence and biophysical properties (such as structural, functional, and spatial information, amino acid conservation, physicochemical variation, residue mobility, and thermodynamic stability) performed at Invitae indicates that this missense variant is expected to disrupt DDHD1 protein function with a positive predictive value of 80%. In summary, the available evidence is currently insufficient to determine the role of this variant in disease. Therefore, it has been classified as a Variant of Uncertain Significance.